The following is an entry in ClinVar:

NM_001457.4(FLNB):c.5885T>C (p.Ile1962Thr)

Gene: FLNB (filamin B; plus strand). Cytogenetic location: 3p14.3.
Variant type: single nucleotide variant.
Coding change: c.5885T>C on transcript NM_001457.4 (MANE Select); coding-DNA position 5885, T replaced by C.
Protein change: p.Ile1962Thr; replaces isoleucine 1962 with threonine.
Molecular consequence: missense variant.
Genome position (GRCh38, 1-based): chr3:58,148,362, T>C. VCF-style: chr3-58148362-T-C. GRCh37 (hg19) VCF-style: chr3-58134089-T-C.
Other names: c.5978T>C, p.Ile1993Thr (NM_001164317.2); c.5852T>C, p.Ile1951Thr (NM_001164318.2); c.5813T>C, p.Ile1938Thr (NM_001164319.2); short protein forms I1938T, I1951T, I1962T, I1993T.
Identifiers: ClinVar variation 2628820 (VCV002628820.3), dbSNP rs201245776, ClinGen allele CA75471634.
Genomic context (GRCh38, chr3:58,148,362, plus strand): 5'-TTAAGGCCCCATCTGGCCGAGACGAGCCCTGTCTCCTGAAGAGGCTGCCCAACAACCACA[T>C]TGGTGAGCTAGGCTACCCTTCCTGGCTGGAGCCAGGACATCTTGGGTGGGAGATGGGGAC-3'
Protein context (NP_001448.2, residues 1952-1972): CLLKRLPNNH[Ile1962Thr]GISFIPREVG

ClinVar aggregate classification (germline): Uncertain significance. Review status: criteria provided, multiple submitters, no conflicts (2 of 4 stars). 2 submissions from 2 submitters: Uncertain significance (2). Last evaluated 2025-03-14.

Conditions:
FLNB-related disorder. Also called: FLNB-related condition; FLNB-related disorders. Identifiers: MedGen CN381095.

Allele frequency attached by ClinVar (database versions not stated): gnomAD exomes below 0.00001.
gnomAD v4.1: 6 of 1,613,394 alleles (0.00037%); highest among the groups gnomAD compares: South Asian, 0.0044%; no homozygotes.

Submissions (2):

Labcorp Genetics (formerly Invitae), Labcorp
Classification: Uncertain significance. Last evaluated: 2025-03-14. Review status: criteria provided, single submitter. Criteria: Invitae Variant Classification Sherloc (09022015). Collection method: clinical testing. Allele origin: germline.
Comment: This sequence change replaces isoleucine, which is neutral and non-polar, with threonine, which is neutral and polar, at codon 1962 of the FLNB protein (p.Ile1962Thr). This variant is present in population databases (rs201245776, gnomAD 0.003%). This variant has not been reported in the literature in individuals affected with FLNB-related conditions. ClinVar contains an entry for this variant (Variation ID: 2628820). An algorithm developed to predict the effect of missense changes on protein structure and function (PolyPhen-2) suggests that this variant is likely to be tolerated. In summary, the available evidence is currently insufficient to determine the role of this variant in disease. Therefore, it has been classified as a Variant of Uncertain Significance.

PreventionGenetics, part of Exact Sciences
Classification: Uncertain significance for FLNB-related condition. Last evaluated: 2023-10-03. Review status: criteria provided, single submitter. Criteria: ACMG Guidelines, 2015. Collection method: clinical testing. Allele origin: germline.
Comment: The FLNB c.5885T>C variant is predicted to result in the amino acid substitution p.Ile1962Thr. To our knowledge, this variant has not been reported in the literature or in a large population database, indicating this variant is rare. At this time, the clinical significance of this variant is uncertain due to the absence of conclusive functional and genetic evidence.